The following is an entry in ClinVar:

NM_153460.4(IL17RC):c.640G>C (p.Val214Leu)

Gene: IL17RC (interleukin 17 receptor C; plus strand). Cytogenetic location: 3p25.3.
Variant type: single nucleotide variant.
Coding change: c.640G>C on transcript NM_153460.4 (MANE Select); coding-DNA position 640, G replaced by C.
Protein change: p.Val214Leu; replaces valine 214 with leucine.
Molecular consequence: missense variant. On other transcripts: non-coding transcript variant (1).
Genome position (GRCh38, 1-based): chr3:9,923,898, G>C. VCF-style: chr3-9923898-G-C. GRCh37 (hg19) VCF-style: chr3-9965582-G-C.
Other names: c.640G>C, p.Val214Leu (NM_001203263.2, NM_001203264.2, NM_001367278.1); c.595G>C, p.Val199Leu (NM_001203265.2, NM_001367280.1, NM_001410711.1 and 1 more transcripts); c.520G>C, p.Val174Leu (NM_001367279.1); c.853G>C, p.Val285Leu (NM_153461.4); short protein forms V174L, V199L, V214L, V285L.
Identifiers: ClinVar variation 4728395 (VCV004728395.1).

ClinVar aggregate classification (germline): Uncertain significance (1 of 4 stars; one submission).

Conditions:
Candidiasis, familial, 9 (CANDF9). Identifiers: Orphanet 1334, MedGen C4225324, MONDO:0014642, OMIM 616445.

gnomAD v4.1: 1 of 1,614,092 alleles (0.000062%); highest among the groups gnomAD compares: Non-Finnish European, 0.000085%; no homozygotes.

Submission:

Labcorp Genetics (formerly Invitae), Labcorp
Classification: Uncertain significance for Candidiasis, familial, 9. Last evaluated: 2025-10-03. Review status: criteria provided, single submitter. Criteria: Invitae Variant Classification Sherloc (09022015). Collection method: clinical testing. Allele origin: germline.
Comment: This sequence change replaces valine, which is neutral and non-polar, with leucine, which is neutral and non-polar, at codon 285 of the IL17RC protein (p.Val285Leu). This variant is not present in population databases (gnomAD no frequency). This variant has not been reported in the literature in individuals affected with IL17RC-related conditions. An algorithm developed to predict the effect of missense changes on protein structure and function outputs the following: PolyPhen-2: "Benign". The leucine amino acid residue is found in multiple mammalian species, which suggests that this missense change does not adversely affect protein function. In summary, the available evidence is currently insufficient to determine the role of this variant in disease. Therefore, it has been classified as a Variant of Uncertain Significance.